The following is an entry in ClinVar:

NM_000642.3(AGL):c.3718G>T (p.Gly1240Ter)

Gene: AGL (amylo-alpha-1,6-glucosidase and 4-alpha-glucanotransferase; plus strand). Cytogenetic location: 1p21.2.
Variant type: single nucleotide variant.
Coding change: c.3718G>T on transcript NM_000642.3 (MANE Select); coding-DNA position 3718, G replaced by T.
Protein change: p.Gly1240Ter; replaces glycine 1240 with a stop codon.
Molecular consequence: nonsense.
Genome position (GRCh38, 1-based): chr1:99,910,729, G>T. VCF-style: chr1-99910729-G-T. GRCh37 (hg19) VCF-style: chr1-100376285-G-T.
Other names: c.3517G>T, p.Gly1173Ter (NM_001425327.1); c.3514G>T, p.Gly1172Ter (NM_001425328.1); c.3379G>T, p.Gly1127Ter (NM_001425329.1); c.3340G>T, p.Gly1114Ter (NM_001425332.1); c.3718G>T, p.Gly1240Ter (NM_000028.3, NM_000643.3, NM_000644.3 and 1 more transcripts); c.3670G>T, p.Gly1224Ter (NM_000646.3); c.3697G>T, p.Gly1233Ter (NM_001425326.1); short protein forms G1224*, G1240*, G1114*, G1127*, G1172*, G1173*, G1233*.
Identifiers: ClinVar variation 984281 (VCV000984281.3), dbSNP rs1654687449, ClinGen allele CA341337326.

ClinVar aggregate classification (germline): Likely pathogenic (1 of 4 stars; one submission).

Conditions:
Glycogen storage disease type III (GSD3). Also called: Cori disease; FORBES DISEASE. Identifiers: Orphanet 366, MedGen C0017922, MONDO:0009291, OMIM 232400.

Submission:

Myriad Genetics, Inc.
Classification: Likely pathogenic for Glycogen storage disease type III. Last evaluated: 2019-12-29. Review status: criteria provided, single submitter. Criteria: Myriad Women's Health Autosomal Recessive and X-Linked Classification Criteria (2019). Collection method: clinical testing. Allele origin: unknown.
Comment: NM_000642.2(AGL):c.3718G>T(G1240*) is expected to be pathogenic in the context of glycogen storage disease type III. This variant is predicted to lead to an abnormal or absent protein product due to the creation of a premature termination codon in AGL, a gene where loss-of-function variants are known to be pathogenic. Please note: this variant was assessed in the context of healthy population screening.